The following is an entry in ClinVar:

NM_004247.4(EFTUD2):c.1720-3C>G

Gene: EFTUD2 (elongation factor Tu GTP binding domain containing 2; minus strand). Cytogenetic location: 17q21.31.
Variant type: single nucleotide variant.
Coding change: c.1720-3C>G on transcript NM_004247.4 (MANE Select); 3 bases into the intron before coding-DNA position 1720, C replaced by G.
Molecular consequence: intron variant.
Genome position (GRCh38, 1-based): chr17:44,860,048, G>C on the plus strand (C>G on the coding strand, the complement: EFTUD2 is on the minus strand). VCF-style: chr17-44860048-G-C. GRCh37 (hg19) VCF-style: chr17-42937416-G-C.
Other names: c.1615-3C>G (NM_001142605.2); c.1690-3C>G (NM_001258354.2); c.1720-3C>G (NM_001258353.2).
Identifiers: ClinVar variation 3390506 (VCV003390506.1).

ClinVar aggregate classification (germline): Uncertain significance (1 of 4 stars; one submission).

Submission:

GeneDx
Classification: Uncertain significance. Last evaluated: 2024-06-16. Review status: criteria provided, single submitter. Criteria: GeneDx Variant Classification Process June 2021. Collection method: clinical testing. Allele origin: germline. Affected: yes.
Comment: Not observed at significant frequency in large population cohorts (gnomAD); In silico analysis supports a deleterious effect on splicing; Has not been previously published as pathogenic or benign to our knowledge